The following is an entry in ClinVar:

ClinVar aggregate classification (germline): Uncertain significance (1 of 4 stars; one submission).

Conditions:
IFT74-related disorder. Also called: IFT74-related condition; IFT74-Related Disorders.

gnomAD v4.1: 1 of 1,563,628 alleles (0.000064%); highest among the groups gnomAD compares: Non-Finnish European, 0.000087%; no homozygotes.

Submission:

PreventionGenetics, part of Exact Sciences
Classification: Uncertain significance for IFT74-related condition. Last evaluated: 2026-07-10. Review status: criteria provided, single submitter. Criteria: ACMG Guidelines, 2015. Collection method: clinical testing. Allele origin: germline.
Comment: The IFT74 c.1085A>G variant is predicted to result in the amino acid substitution p.Lys362Arg. To our knowledge, this variant has not been reported in the literature or in a large population database (gnomAD), indicating this variant is rare. At this time, the clinical significance of this variant is uncertain due to the absence of conclusive functional and genetic evidence.

NM_025103.4(IFT74):c.1085A>G (p.Lys362Arg)

Gene: IFT74 (intraflagellar transport 74; plus strand). Cytogenetic location: 9p21.2.
Variant type: single nucleotide variant.
Coding change: c.1085A>G on transcript NM_025103.4 (MANE Select); coding-DNA position 1085, A replaced by G.
Protein change: p.Lys362Arg; replaces lysine 362 with arginine.
Molecular consequence: missense variant.
Genome position (GRCh38, 1-based): chr9:27,044,772, A>G. VCF-style: chr9-27044772-A-G. GRCh37 (hg19) VCF-style: chr9-27044770-A-G.
Other names: c.1085A>G, p.Lys362Arg (NM_001099222.3, NM_001099223.3, NM_001349928.2); short protein forms K362R.
Identifiers: ClinVar variation 5002586 (VCV005002586.1).